The following is an entry in ClinVar:

NM_201384.3(PLEC):c.4860C>T (p.Ala1620=)

Gene: PLEC (plectin; minus strand). Cytogenetic location: 8q24.3.
Variant type: single nucleotide variant.
Coding change: c.4860C>T on transcript NM_201384.3 (MANE Select); coding-DNA position 4860, C replaced by T.
Protein change: p.Ala1620=; no amino-acid change (alanine 1620 retained).
Molecular consequence: synonymous variant.
Genome position (GRCh38, 1-based): chr8:143,925,069, G>A on the plus strand (C>T on the coding strand, the complement: PLEC is on the minus strand). VCF-style: chr8-143925069-G-A. GRCh37 (hg19) VCF-style: chr8-144999237-G-A.
Other names: c.4941C>T, p.Ala1647= (NM_000445.5); c.4818C>T, p.Ala1606= (NM_201378.4); c.4794C>T, p.Ala1598= (NM_201379.3); c.5271C>T, p.Ala1757= (NM_201380.4); c.4764C>T, p.Ala1588= (NM_201381.3); c.4860C>T, p.Ala1620= (NM_201382.4); c.4872C>T, p.Ala1624= (NM_201383.3).
Identifiers: ClinVar variation 436325 (VCV000436325.47), dbSNP rs144880376, ClinGen allele CA4926520.

ClinVar aggregate classification (germline): Benign/Likely benign. Review status: criteria provided, multiple submitters, no conflicts (2 of 4 stars). 7 submissions from 7 submitters: Benign (1); Likely benign (6). Last evaluated 2026-01-27.

Conditions:
Epidermolysis bullosa simplex 5B, with muscular dystrophy (EBS5B). Also called: Epidermolysis bullosa simplex with muscular dystrophy; EPIDERMOLYSIS BULLOSA SIMPLEX AND LIMB-GIRDLE MUSCULAR DYSTROPHY. Identifiers: Orphanet 257, MedGen C2931072, MONDO:0009181, OMIM 226670.
Epidermolysis bullosa simplex, Ogna type (EBS5A). Also called: Pidermolysis bullosa simplex 5A, Ogna type; EPIDERMOLYSIS BULLOSA SIMPLEX 5A, OGNA TYPE. Identifiers: Orphanet 79401, MedGen C0432317, MONDO:0007555, OMIM 131950.
Epidermolysis bullosa simplex 5C, with pyloric atresia (EBS5C). Also called: PLEC-Related Epidermolysis Bullosa with Pyloric Atresia; Epidermolysis bullosa simplex with pyloric atresia; PLEC1-Related Epidermolysis Bullosa with Pyloric Atresia. Identifiers: Orphanet 158684, MedGen C2677349, MONDO:0012807, OMIM 612138.
Epidermolysis bullosa simplex with nail dystrophy (EBS5D). Identifiers: MedGen C4225309, MONDO:0014661, OMIM 616487.
Autosomal recessive limb-girdle muscular dystrophy type 2Q (LGMDR17). Also called: MUSCULAR DYSTROPHY, LIMB-GIRDLE, AUTOSOMAL RECESSIVE 17. Identifiers: Orphanet 254361, MedGen C3150989, MONDO:0013390, OMIM 613723.

Allele frequency attached by ClinVar (database versions not stated): ExAC 0.00014; gnomAD exomes 0.00022; gnomAD 0.00085 and 0.00093; TOPMed 0.00088; 1000 Genomes Project 30x 0.00156; 1000 Genomes Project 0.00200.
gnomAD v4.1: 312 of 1,538,950 alleles (0.02%); highest among the groups gnomAD compares: African/African-American, 0.34%; 6 homozygotes.

Submissions (7):

Labcorp Genetics (formerly Invitae), Labcorp
Classification: Likely benign for Autosomal recessive limb-girdle muscular dystrophy type 2Q; Epidermolysis bullosa simplex, Ogna type; Epidermolysis bullosa simplex with nail dystrophy; Epidermolysis bullosa simplex 5C, with pyloric atresia; Epidermolysis bullosa simplex 5B, with muscular dystrophy. Last evaluated: 2026-01-27. Review status: criteria provided, single submitter. Criteria: Invitae Variant Classification Sherloc (09022015). Collection method: clinical testing. Allele origin: germline.

Blueprint Genetics
Classification: Likely benign. Last evaluated: 2024-11-05. Review status: criteria provided, single submitter. Criteria: ACMG Guidelines, 2015. Collection method: clinical testing. Allele origin: germline.

CeGaT Center for Human Genetics Tuebingen
Classification: Likely benign. Last evaluated: 2022-08-01. Review status: criteria provided, single submitter. Criteria: CeGaT Center For Human Genetics Tuebingen Variant Classification Criteria Version 2. Collection method: clinical testing. Allele origin: germline. Affected: yes. Observed: 2 variant alleles.
Comment: PLEC: BP4, BP7

GeneDx
Classification: Likely benign. Last evaluated: 2021-03-02. Review status: criteria provided, single submitter. Criteria: GeneDx Variant Classification Process June 2021. Collection method: clinical testing. Allele origin: germline. Affected: yes.

Athena Diagnostics
Classification: Benign. Last evaluated: 2019-11-12. Review status: criteria provided, single submitter. Criteria: Athena Diagnostics Criteria. Collection method: clinical testing. Allele origin: unknown.

Eurofins Ntd Llc (ga)
Classification: Likely benign. Last evaluated: 2017-02-28. Review status: criteria provided, single submitter. Criteria: EGL Classification Definitions 2015. Collection method: clinical testing. Allele origin: germline. Observed: 2 variant alleles, 2 heterozygotes.

Genetic Services Laboratory, University of Chicago
Classification: Likely benign. Last evaluated: 2016-09-02. Review status: criteria provided, single submitter. Criteria: ACMG Guidelines, 2015. Collection method: clinical testing. Allele origin: germline. Affected: no.